The following is an entry in ClinVar:

NM_015937.6(PIGT):c.580C>T (p.Pro194Ser)

Gene: PIGT (phosphatidylinositol glycan anchor biosynthesis class T; plus strand). Cytogenetic location: 20q13.12.
Variant type: single nucleotide variant.
Coding change: c.580C>T on transcript NM_015937.6 (MANE Select); coding-DNA position 580, C replaced by T.
Protein change: p.Pro194Ser; replaces proline 194 with serine.
Molecular consequence: missense variant. On other transcripts: non-coding transcript variant (3).
Genome position (GRCh38, 1-based): chr20:45,419,381, C>T. VCF-style: chr20-45419381-C-T. GRCh37 (hg19) VCF-style: chr20-44048021-C-T.
Other names: c.412C>T, p.Pro138Ser (NM_001184728.3); c.580C>T, p.Pro194Ser (NM_001184729.3); c.274C>T, p.Pro92Ser (NM_001184730.3); short protein forms P138S, P194S, P92S.
Identifiers: ClinVar variation 2074615 (VCV002074615.4), dbSNP rs749890287, ClinGen allele CA9877936.

ClinVar aggregate classification (germline): Uncertain significance (1 of 4 stars; one submission).

Conditions:
Multiple congenital anomalies-hypotonia-seizures syndrome 3 (MCAHS3). Also called: GLYCOSYLPHOSPHATIDYLINOSITOL BIOSYNTHESIS DEFECT 7. Identifiers: Orphanet 369837, MedGen C3809356, MONDO:0014165, OMIM 615398.

Allele frequency attached by ClinVar (database versions not stated): ExAC 0.00002; gnomAD exomes below 0.00001; TOPMed 0.00001.

Submission:

Labcorp Genetics (formerly Invitae), Labcorp
Classification: Uncertain significance for Multiple congenital anomalies-hypotonia-seizures syndrome 3. Last evaluated: 2022-06-10. Review status: criteria provided, single submitter. Criteria: Invitae Variant Classification Sherloc (09022015). Collection method: clinical testing. Allele origin: germline.
Comment: This variant has not been reported in the literature in individuals affected with PIGT-related conditions. In summary, the available evidence is currently insufficient to determine the role of this variant in disease. Therefore, it has been classified as a Variant of Uncertain Significance. Algorithms developed to predict the effect of missense changes on protein structure and function are either unavailable or do not agree on the potential impact of this missense change (SIFT: "Deleterious"; PolyPhen-2: "Probably Damaging"; Align-GVGD: "Class C0"). This variant is present in population databases (rs749890287, gnomAD 0.009%). This sequence change replaces proline, which is neutral and non-polar, with serine, which is neutral and polar, at codon 194 of the PIGT protein (p.Pro194Ser).